The following is an entry in ClinVar:

NM_004168.4(SDHA):c.1138del (p.Leu380fs)

Gene: SDHA (succinate dehydrogenase complex flavoprotein subunit A; plus strand). Cytogenetic location: 5p15.33.
Variant type: Deletion.
Coding change: c.1138del on transcript NM_004168.4 (MANE Select); coding-DNA position 1138, one base deleted (C; older notation c.1138delC).
Protein change: p.Leu380fs; shifts the reading frame from leucine 380.
Molecular consequence: frameshift variant.
Genome position (GRCh38, 1-based): chr5:235,217, C deleted; the last of 2 consecutive C bases (chr5:235,216-235,217); deleting either gives the same sequence. VCF-style (leftmost placement, unchanged base first): chr5-235215-GC-G. GRCh37 (hg19) VCF-style: chr5-235330-GC-G.
Other names: c.994del, p.Leu332fs (NM_001294332.2); c.1138del, p.Leu380fs (NM_001330758.2); short protein forms L332fs, L380fs.
Identifiers: ClinVar variation 1994684 (VCV001994684.4), dbSNP rs2477363254, ClinGen allele CA2580073122.

ClinVar aggregate classification (germline): Pathogenic (1 of 4 stars; one submission).

Conditions:
Pheochromocytoma/paraganglioma syndrome 5. Also called: Paragangliomas 5; SDHA-Related Hereditary Paraganglioma-Pheochromocytoma Syndrome. Identifiers: Orphanet 29072, MedGen C3279992, MONDO:0013602, OMIM 614165.
Mitochondrial complex II deficiency, nuclear type 1. Also called: SUCCINATE CoQ REDUCTASE DEFICIENCY. Identifiers: Orphanet 3208, MedGen C5700310, MONDO:0100294, OMIM 252011.

Submission:

Labcorp Genetics (formerly Invitae), Labcorp
Classification: Pathogenic for Pheochromocytoma/paraganglioma syndrome 5; Mitochondrial complex II deficiency, nuclear type 1. Last evaluated: 2022-10-07. Review status: criteria provided, single submitter. Criteria: Invitae Variant Classification Sherloc (09022015). Collection method: clinical testing. Allele origin: germline.
Comment: This variant is not present in population databases (gnomAD no frequency). This sequence change creates a premature translational stop signal (p.Leu380Cysfs*9) in the SDHA gene. It is expected to result in an absent or disrupted protein product. Loss-of-function variants in SDHA are known to be pathogenic (PMID: 22974104, 24781757). This variant has not been reported in the literature in individuals affected with SDHA-related conditions. For these reasons, this variant has been classified as Pathogenic. Algorithms developed to predict the effect of sequence changes on RNA splicing suggest that this variant may disrupt the consensus splice site.

Literature cited by the submitters: PubMed 22974104; PubMed 24781757.